The following is an entry in ClinVar:

ClinVar aggregate classification (germline): Uncertain significance. Review status: criteria provided, multiple submitters, no conflicts (2 of 4 stars). 2 submissions from 2 submitters: Uncertain significance (2). Last evaluated 2025-10-19.

Allele frequency attached by ClinVar (database versions not stated): TOPMed 0.00002; gnomAD 0.00004; 1000 Genomes Project 30x 0.00016; 1000 Genomes Project 0.00020.
gnomAD v4.1: 83 of 1,612,410 alleles (0.0051%); highest among the groups gnomAD compares: Middle Eastern, 0.082%; no homozygotes.

Submissions (2):

Labcorp Genetics (formerly Invitae), Labcorp
Classification: Uncertain significance. Last evaluated: 2025-10-19. Review status: criteria provided, single submitter. Criteria: Invitae Variant Classification Sherloc (09022015). Collection method: clinical testing. Allele origin: germline.
Comment: This sequence change replaces alanine, which is neutral and non-polar, with valine, which is neutral and non-polar, at codon 703 of the LAMA1 protein (p.Ala703Val). The frequency data for this variant in the population databases is considered unreliable, as metrics indicate poor data quality at this position in the gnomAD database. This missense change has been observed in individual(s) with Poretti-Boltshauser syndrome (PMID: 26932191). ClinVar contains an entry for this variant (Variation ID: 2138126). An algorithm developed to predict the effect of missense changes on protein structure and function (PolyPhen-2) suggests that this variant is likely to be disruptive. In summary, the available evidence is currently insufficient to determine the role of this variant in disease. Therefore, it has been classified as a Variant of Uncertain Significance.

Blueprint Genetics
Classification: Uncertain significance. Last evaluated: 2024-11-06. Review status: criteria provided, single submitter. Criteria: ACMG Guidelines, 2015. Collection method: clinical testing. Allele origin: germline.

Literature cited by the submitters: PubMed 26932191 (cited by Labcorp Genetics (formerly Invitae), Labcorp).

NM_005559.4(LAMA1):c.2108C>T (p.Ala703Val)

Gene: LAMA1 (laminin subunit alpha 1; minus strand). Cytogenetic location: 18p11.31.
Variant type: single nucleotide variant.
Coding change: c.2108C>T on transcript NM_005559.4 (MANE Select); coding-DNA position 2108, C replaced by T.
Protein change: p.Ala703Val; replaces alanine 703 with valine.
Molecular consequence: missense variant.
Genome position (GRCh38, 1-based): chr18:7,033,039, G>A on the plus strand (C>T on the coding strand, the complement: LAMA1 is on the minus strand). VCF-style: chr18-7033039-G-A. GRCh37 (hg19) VCF-style: chr18-7033038-G-A.
Other names: short protein forms A703V.
Identifiers: ClinVar variation 2138126 (VCV002138126.3), dbSNP rs568980221, ClinGen allele CA8882766.
Genomic context (GRCh38, chr18:7,033,039, plus strand): 5'-GTCACCTCACAGGAGGTCCCTGTGTAGCCTTGCGGACATTCACAGTGCTCCACATCAGCG[G>A]CCACCACCAGGTCGATGGCATTAGAGCTGGCTATGTCCAGAGAGACGGACTCCAACCTAC-3'
Protein context (NP_005550.2, residues 693-713): ASSNAIDLVV[Ala703Val]ADVEHCECPQ